The following is an entry in ClinVar:

NM_001267550.2(TTN):c.33459C>T (p.Ala11153=)

Gene: TTN (titin; minus strand). Cytogenetic location: 2q31.2.
Variant type: single nucleotide variant.
Coding change: c.33459C>T on transcript NM_001267550.2 (MANE Select); coding-DNA position 33459, C replaced by T.
Protein change: p.Ala11153=; no amino-acid change (alanine 11153 retained).
Molecular consequence: synonymous variant. On other transcripts: intron variant (3).
Genome position (GRCh38, 1-based): chr2:178,680,015, G>A on the plus strand (C>T on the coding strand, the complement: TTN is on the minus strand). VCF-style: chr2-178680015-G-A. GRCh37 (hg19) VCF-style: chr2-179544742-G-A.
Other names: c.32508C>T, p.Ala10836= (NM_001256850.1); c.29727C>T, p.Ala9909= (NM_133378.4); c.13283-37698C>T (NM_003319.4); c.13859-37698C>T (NM_133437.4); c.13658-37698C>T (NM_133432.3).
Identifiers: ClinVar variation 4682370 (VCV004682370.2).

ClinVar aggregate classification (germline): Conflicting classifications of pathogenicity. Review status: criteria provided, conflicting classifications (1 of 4 stars). 2 submissions from 2 submitters: Uncertain significance (1); Likely benign (1). Last evaluated 2025-02-09.

Conditions:
Autosomal recessive limb-girdle muscular dystrophy type 2J (LGMDR10). Also called: Limb-girdle muscular dystrophy, type 2J; MUSCULAR DYSTROPHY, LIMB-GIRDLE, AUTOSOMAL RECESSIVE 10. Identifiers: Orphanet 140922, MedGen C1837342, MONDO:0012127, OMIM 608807.
Dilated cardiomyopathy 1G (CMD1G). Identifiers: Orphanet 154, MedGen C1858763, MONDO:0011400, OMIM 604145.

gnomAD v4.1: 1 of 1,613,102 alleles (0.000062%); highest among the groups gnomAD compares: Non-Finnish European, 0.000085%; no homozygotes.

Submissions (2):

Labcorp Genetics (formerly Invitae), Labcorp
Classification: Likely benign for Dilated cardiomyopathy 1G; Autosomal recessive limb-girdle muscular dystrophy type 2J. Last evaluated: 2025-02-09. Review status: criteria provided, single submitter. Criteria: Invitae Variant Classification Sherloc (09022015). Collection method: clinical testing. Allele origin: germline.

Athena Diagnostics
Classification: Uncertain significance. Last evaluated: 2025-02-05. Review status: criteria provided, single submitter. Criteria: Athena Diagnostics Criteria. Collection method: clinical testing. Allele origin: unknown.
Comment: Available data are insufficient to determine the clinical significance of the variant at this time. This variant has not been reported in large, multi-ethnic general populations. Computational tools yielded predictions that this variant is unlikely to have an effect on normal RNA splicing.